The following is an entry in ClinVar:

ClinVar aggregate classification (germline): Uncertain significance (1 of 4 stars; one submission).

Conditions:
Familial adenomatous polyposis 1 (FAP1). Also called: FAMILIAL ADENOMATOUS POLYPOSIS 1, ATTENUATED; POLYPOSIS, ADENOMATOUS INTESTINAL. Identifiers: MedGen C2713442, MONDO:0021056, OMIM 175100. Disease mechanism: loss of function.

Submission:

Labcorp Genetics (formerly Invitae), Labcorp
Classification: Uncertain significance for Familial adenomatous polyposis 1. Last evaluated: 2018-12-05. Review status: criteria provided, single submitter. Criteria: Invitae Variant Classification Sherloc (09022015). Collection method: clinical testing. Allele origin: germline.
Comment: This variant, c.5594_5617dup, results in the insertion of 8 amino acids to the APC protein (p.Val1872_Asp1873ins8), but otherwise preserves the integrity of the reading frame. This variant is not present in population databases (ExAC no frequency). This variant has not been reported in the literature in individuals with APC-related conditions. Experimental studies and prediction algorithms are not available for this variant, and the functional significance of the affected amino acid(s) is currently unknown. Algorithms developed to predict the effect of sequence changes on RNA splicing suggest that this variant may create or strengthen a splice site, but this prediction has not been confirmed by published transcriptional studies. In summary, the available evidence is currently insufficient to determine the role of this variant in disease. Therefore, it has been classified as a Variant of Uncertain Significance.

NM_000038.6(APC):c.5594_5617dup (p.Val1872_Asp1873insValAspPheAspAspAspAspVal)

Gene: APC (APC regulator of Wnt signaling pathway; plus strand). Cytogenetic location: 5q22.2.
Variant type: Duplication.
Coding change: c.5594_5617dup on transcript NM_000038.6 (MANE Select); coding-DNA positions 5594 to 5617, 24 bases duplicated (TAGATTTTGATGATGATGATGTTG).
Protein change: p.Val1872_Asp1873insValAspPheAspAspAspAspVal.
Molecular consequence: inframe insertion.
Genome position (GRCh38, 1-based): chr5:112,841,188-112,841,211, TAGATTTTGATGATGATGATGTTG duplicated. VCF-style (leftmost placement, unchanged base first): chr5-112841187-C-CTAGATTTTGATGATGATGATGTTG. GRCh37 (hg19) VCF-style: chr5-112176884-C-CTAGATTTTGATGATGATGATGTTG.
Other names: c.5594_5617dup, p.Val1872_Asp1873insValAspPheAspAspAspAspVal (NM_001127510.3, NM_001354895.2); c.5540_5563dup, p.Val1854_Asp1855insValAspPheAspAspAspAspVal (NM_001127511.3); c.5648_5671dup, p.Val1890_Asp1891insValAspPheAspAspAspAspVal (NM_001354896.2); c.5624_5647dup, p.Val1882_Asp1883insValAspPheAspAspAspAspVal (NM_001354897.2); c.5519_5542dup, p.Val1847_Asp1848insValAspPheAspAspAspAspVal (NM_001354898.2); c.5510_5533dup, p.Val1844_Asp1845insValAspPheAspAspAspAspVal (NM_001354899.2); c.5471_5494dup, p.Val1831_Asp1832insValAspPheAspAspAspAspVal (NM_001354900.2); c.5417_5440dup, p.Val1813_Asp1814insValAspPheAspAspAspAspVal (NM_001354901.2); and 5 more.
Identifiers: ClinVar variation 644591 (VCV000644591.10), dbSNP rs1580661657, ClinGen allele CA915943500.